The following is an entry in ClinVar:

ClinVar aggregate classification (germline): Uncertain significance (1 of 4 stars; one submission).

gnomAD v4.1: 2 of 1,604,900 alleles (0.00012%); highest among the groups gnomAD compares: East Asian, 0.0022%; no homozygotes.

Submission:

GeneDx
Classification: Uncertain significance. Last evaluated: 2026-02-24. Review status: criteria provided, single submitter. Criteria: GeneDx Variant Classification Process June 2021. Collection method: clinical testing. Allele origin: germline.
Comment: Not observed at significant frequency in large population cohorts (gnomAD); In silico analysis suggests that this variant does not alter splicing; Has not been previously published as pathogenic or benign to our knowledge

NM_021942.6(TRAPPC11):c.2625C>T (p.His875=)

Gene: TRAPPC11 (trafficking protein particle complex subunit 11; plus strand). Cytogenetic location: 4q35.1.
Variant type: single nucleotide variant.
Coding change: c.2625C>T on transcript NM_021942.6 (MANE Select); coding-DNA position 2625, C replaced by T.
Protein change: p.His875=; no amino-acid change (histidine 875 retained).
Molecular consequence: synonymous variant.
Genome position (GRCh38, 1-based): chr4:183,694,720, C>T. VCF-style: chr4-183694720-C-T. GRCh37 (hg19) VCF-style: chr4-184615873-C-T.
Other names: c.2625C>T, p.His875= (NM_199053.3).
Identifiers: ClinVar variation 5009979 (VCV005009979.1).
Genomic context (GRCh38, chr4:183,694,720, plus strand): 5'-ATATGTTTCTTACCTGATAAATACAACCGTTGAAGAAAAAGAAATTGTTTGCAAGTGTCA[C>T]AAGGTATTTTTTTATAGCTACTTTATAAAGCATCATATGTGGAGTATTCCCATTTTGTGT-3'
Protein context (NP_068761.4, residues 865-885): VEEKEIVCKC[His875=]KDETVTIETV